The following is an entry in ClinVar:

NM_004304.5(ALK):c.2528G>A (p.Gly843Glu)

Gene: ALK (ALK receptor tyrosine kinase; minus strand). Cytogenetic location: 2p23.2.
Variant type: single nucleotide variant.
Coding change: c.2528G>A on transcript NM_004304.5 (MANE Select); coding-DNA position 2528, G replaced by A.
Protein change: p.Gly843Glu; replaces glycine 843 with glutamic acid.
Molecular consequence: missense variant.
Genome position (GRCh38, 1-based): chr2:29,232,408, C>T on the plus strand (G>A on the coding strand, the complement: ALK is on the minus strand). VCF-style: chr2-29232408-C-T. GRCh37 (hg19) VCF-style: chr2-29455274-C-T.
Other names: short protein forms G843E.
Identifiers: ClinVar variation 4725414 (VCV004725414.1).

ClinVar aggregate classification (germline): Uncertain significance (1 of 4 stars; one submission).

Conditions:
Neuroblastoma, susceptibility to, 3. Also called: ALK-Related Neuroblastic Tumor Susceptibility. Identifiers: Orphanet 635, MedGen C2751681, MONDO:0013083, OMIM 613014.

Submission:

Labcorp Genetics (formerly Invitae), Labcorp
Classification: Uncertain significance for Neuroblastoma, susceptibility to, 3. Last evaluated: 2025-08-13. Review status: criteria provided, single submitter. Criteria: Invitae Variant Classification Sherloc (09022015). Collection method: clinical testing. Allele origin: germline.
Comment: This sequence change replaces glycine, which is neutral and non-polar, with glutamic acid, which is acidic and polar, at codon 843 of the ALK protein (p.Gly843Glu). This variant is not present in population databases (gnomAD no frequency). This variant has not been reported in the literature in individuals affected with ALK-related conditions. An algorithm developed to predict the effect of missense changes on protein structure and function (PolyPhen-2) suggests that this variant is likely to be disruptive. In summary, the available evidence is currently insufficient to determine the role of this variant in disease. Therefore, it has been classified as a Variant of Uncertain Significance.